The following is an entry in ClinVar:

ClinVar aggregate classification (germline): Uncertain significance (1 of 4 stars; one submission).

Conditions:
Dyskeratosis congenita. Identifiers: Orphanet 1775, MedGen C0265965, MONDO:0015780.

Submission:

Ambry Genetics
Classification: Uncertain significance for Dyskeratosis congenita. Last evaluated: 2023-06-12. Review status: criteria provided, single submitter. Criteria: Ambry Variant Classification Scheme 2023. Collection method: clinical testing. Allele origin: germline.
Comment: The p.Q921R variant (also known as c.2762A>G), located in coding exon 11 of the TERT gene, results from an A to G substitution at nucleotide position 2762. The glutamine at codon 921 is replaced by arginine, an amino acid with highly similar properties. This amino acid position is conserved. In addition, the in silico prediction for this alteration is inconclusive. Since supporting evidence is limited at this time, the clinical significance of this alteration remains unclear.

NM_198253.3(TERT):c.2762A>G (p.Gln921Arg)

Gene: TERT (telomerase reverse transcriptase; minus strand). Cytogenetic location: 5p15.33.
Variant type: single nucleotide variant.
Coding change: c.2762A>G on transcript NM_198253.3 (MANE Select); coding-DNA position 2762, A replaced by G.
Protein change: p.Gln921Arg; replaces glutamine 921 with arginine.
Molecular consequence: missense variant. On other transcripts: intron variant (1).
Genome position (GRCh38, 1-based): chr5:1,264,485, T>C on the plus strand (A>G on the coding strand, the complement: TERT is on the minus strand). VCF-style: chr5-1264485-T-C. GRCh37 (hg19) VCF-style: chr5-1264600-T-C.
Other names: c.2762A>G, p.Gln921Arg (NM_003219.1); c.2654+1979A>G (NM_001193376.3); short protein forms Q921R.
Identifiers: ClinVar variation 3238579 (VCV003238579.1), dbSNP rs2478153245.